The following is an entry in ClinVar:

NM_022835.3(PLEKHG2):c.3788C>T (p.Pro1263Leu)

Gene: PLEKHG2 (pleckstrin homology and RhoGEF domain containing G2; plus strand). Cytogenetic location: 19q13.2.
Variant type: single nucleotide variant.
Coding change: c.3788C>T on transcript NM_022835.3 (MANE Select); coding-DNA position 3788, C replaced by T.
Protein change: p.Pro1263Leu; replaces proline 1263 with leucine.
Molecular consequence: missense variant. On other transcripts: intron variant (2).
Genome position (GRCh38, 1-based): chr19:39,424,921, C>T. VCF-style: chr19-39424921-C-T. GRCh37 (hg19) VCF-style: chr19-39915561-C-T.
Other names: c.3572+39C>T (NM_001351693.2); c.1678-317C>T (NM_001351694.2); short protein forms P1263L.
Identifiers: ClinVar variation 1377501 (VCV001377501.3), dbSNP rs530701340, ClinGen allele CA9430049.
Genomic context (GRCh38, chr19:39,424,921, plus strand): 5'-CCTTAGCCTCTCACGTTGCCAGGTTGGAGTCTTCAGACTTGACGCCACCTCATAGTCCCC[C>T]ACCTTCCAGCCGTCAGCTCCTGGGCCCCAATGCAGCTGCCCTCTCCAGATACCTGGCAGC-3'
Protein context (NP_073746.2, residues 1253-1273): SSDLTPPHSP[Pro1263Leu]PSSRQLLGPN

ClinVar aggregate classification (germline): Uncertain significance (1 of 4 stars; one submission).

Allele frequency attached by ClinVar (database versions not stated): ExAC 0.00001; gnomAD 0.00001 and 0.00002; gnomAD exomes 0.00001; TOPMed 0.00001; 1000 Genomes Project 0.00020; 1000 Genomes Project 30x 0.00031.

Submission:

Labcorp Genetics (formerly Invitae), Labcorp
Classification: Uncertain significance. Last evaluated: 2021-10-07. Review status: criteria provided, single submitter. Criteria: Invitae Variant Classification Sherloc (09022015). Collection method: clinical testing. Allele origin: germline.
Comment: This sequence change replaces proline with leucine at codon 1263 of the PLEKHG2 protein (p.Pro1263Leu). The proline residue is moderately conserved and there is a moderate physicochemical difference between proline and leucine. This variant is present in population databases (rs530701340, ExAC 0.002%). This variant has not been reported in the literature in individuals affected with PLEKHG2-related conditions. Algorithms developed to predict the effect of missense changes on protein structure and function are either unavailable or do not agree on the potential impact of this missense change (SIFT: "Deleterious"; PolyPhen-2: "Benign"; Align-GVGD: "Class C15"). In summary, the available evidence is currently insufficient to determine the role of this variant in disease. Therefore, it has been classified as a Variant of Uncertain Significance.